The following is an entry in ClinVar:

NM_001903.5(CTNNA1):c.2154G>C (p.Gln718His)

Gene: CTNNA1 (catenin alpha 1; plus strand). Cytogenetic location: 5q31.2.
Variant type: single nucleotide variant.
Coding change: c.2154G>C on transcript NM_001903.5 (MANE Select); coding-DNA position 2154, G replaced by C.
Protein change: p.Gln718His; replaces glutamine 718 with histidine.
Molecular consequence: missense variant.
Genome position (GRCh38, 1-based): chr5:138,930,616, G>C. VCF-style: chr5-138930616-G-C. GRCh37 (hg19) VCF-style: chr5-138266305-G-C.
Other names: c.2154G>C, p.Gln718His (NM_001290307.3, NM_001323982.2, NM_001323983.1 and 2 more transcripts); c.1845G>C, p.Gln615His (NM_001290309.3); c.1785G>C, p.Gln595His (NM_001290310.3); c.1044G>C, p.Gln348His (NM_001290312.1, NM_001323987.1, NM_001323988.1 and 17 more transcripts); c.2061G>C, p.Gln687His (NM_001323986.2); c.705G>C, p.Gln235His (NM_001324010.1, NM_001324006.1, NM_001324007.1 and 2 more transcripts); c.951G>C, p.Gln317His (NM_001324011.1); c.801G>C, p.Gln267His (NM_001324012.1, NM_001324013.1); short protein forms Q235H, Q267H, Q317H, Q348H, Q595H, Q615H, Q687H, Q718H.
Identifiers: ClinVar variation 1720751 (VCV001720751.5), dbSNP rs369024633, ClinGen allele CA361133631.

ClinVar aggregate classification (germline): Uncertain significance (1 of 4 stars; one submission).

Submission:

Labcorp Genetics (formerly Invitae), Labcorp
Classification: Uncertain significance. Last evaluated: 2022-10-01. Review status: criteria provided, single submitter. Criteria: Invitae Variant Classification Sherloc (09022015). Collection method: clinical testing. Allele origin: germline.
Comment: In summary, the available evidence is currently insufficient to determine the role of this variant in disease. Therefore, it has been classified as a Variant of Uncertain Significance. Advanced modeling of protein sequence and biophysical properties (such as structural, functional, and spatial information, amino acid conservation, physicochemical variation, residue mobility, and thermodynamic stability) performed at Invitae indicates that this missense variant is not expected to disrupt CTNNA1 protein function. This variant has not been reported in the literature in individuals affected with CTNNA1-related conditions. This variant is not present in population databases (gnomAD no frequency). This sequence change replaces glutamine, which is neutral and polar, with histidine, which is basic and polar, at codon 718 of the CTNNA1 protein (p.Gln718His).